The following is an entry in ClinVar:

NM_001257180.2(SLC20A2):c.1616A>G (p.Tyr539Cys)

Gene: SLC20A2 (solute carrier family 20 member 2; minus strand). Cytogenetic location: 8p11.21.
Variant type: single nucleotide variant.
Coding change: c.1616A>G on transcript NM_001257180.2 (MANE Select); coding-DNA position 1616, A replaced by G.
Protein change: p.Tyr539Cys; replaces tyrosine 539 with cysteine.
Molecular consequence: missense variant.
Genome position (GRCh38, 1-based): chr8:42,430,157, T>C on the plus strand (A>G on the coding strand, the complement: SLC20A2 is on the minus strand). VCF-style: chr8-42430157-T-C. GRCh37 (hg19) VCF-style: chr8-42287675-T-C.
Other names: c.1616A>G, p.Tyr539Cys (NM_001257181.2, NM_006749.5); short protein forms Y539C.
Identifiers: ClinVar variation 3370161 (VCV003370161.1).
Genomic context (GRCh38, chr8:42,430,157, plus strand): 5'-ATGGTCTGGATCACTCTTCTCCCCCAGACCCAGAGGCCTGTGCAGATTCCAACTCCTCCA[T>C]AAAACAGCAGCCAGACGGGTGTAGCTGCTTCTTGCGTTACCCCGCCTTGTTTGTAAATCA-3'
Protein context (NP_001244109.1, residues 529-549): EAATPVWLLF[Tyr539Cys]GGVGICTGLW

ClinVar aggregate classification (germline): Uncertain significance (1 of 4 stars; one submission).

Submission:

GeneDx
Classification: Uncertain significance. Last evaluated: 2023-12-20. Review status: criteria provided, single submitter. Criteria: GeneDx Variant Classification Process June 2021. Collection method: clinical testing. Allele origin: germline. Affected: yes.
Comment: Not observed at significant frequency in large population cohorts (gnomAD); In silico analysis supports that this missense variant has a deleterious effect on protein structure/function; Has not been previously published as pathogenic or benign to our knowledge